The following is an entry in ClinVar:

NM_001387430.1(SH2B1):c.650G>C (p.Gly217Ala)

Gene: SH2B1 (SH2B adaptor protein 1; plus strand). Cytogenetic location: 16p11.2.
Variant type: single nucleotide variant.
Coding change: c.650G>C on transcript NM_001387430.1 (MANE Select); coding-DNA position 650, G replaced by C.
Protein change: p.Gly217Ala; replaces glycine 217 with alanine.
Molecular consequence: missense variant. On other transcripts: intron variant (1).
Genome position (GRCh38, 1-based): chr16:28,866,744, G>C. VCF-style: chr16-28866744-G-C. GRCh37 (hg19) VCF-style: chr16-28878065-G-C.
Other names: c.650G>C, p.Gly217Ala (NM_001145795.2, NM_001145796.2, NM_001145797.2 and 4 more transcripts); c.-26-630G>C (NM_001308294.2); short protein forms G217A.
Identifiers: ClinVar variation 4985717 (VCV004985717.1).
Genomic context (GRCh38, chr16:28,866,744, plus strand): 5'-ACAGCAACTCCAACTCCTCTGGCGGGGCTGGGACCGTTGGTAGGGGACTGGTCAGTGATG[G>C]AACGTCCCCTGGGGAAAGATGGACTCACCGTTTTGAGAGGCTGAGACTCAGTCGGGGAGG-3'
Protein context (NP_001374359.1, residues 207-227): GTVGRGLVSD[Gly217Ala]TSPGERWTHR

ClinVar aggregate classification (germline): Uncertain significance (1 of 4 stars; one submission).

Conditions:
SH2B1-related disorder. Also called: SH2B1-related condition.

gnomAD v4.1: 10 of 1,579,408 alleles (0.00063%); highest among the groups gnomAD compares: Non-Finnish European, 0.00086%; no homozygotes.

Submission:

PreventionGenetics, part of Exact Sciences
Classification: Uncertain significance for SH2B1-related condition. Last evaluated: 2026-06-29. Review status: criteria provided, single submitter. Criteria: ACMG Guidelines, 2015. Collection method: clinical testing. Allele origin: germline.
Comment: The SH2B1 c.650G>C variant is predicted to result in the amino acid substitution p.Gly217Ala. To our knowledge, this variant has not been reported in the literature or in a large population database (gnomAD), indicating this variant is rare. At this time, the clinical significance of this variant is uncertain due to the absence of conclusive functional and genetic evidence.